The following is an entry in ClinVar:

NM_000452.3(SLC10A2):c.123G>A (p.Leu41=)

Gene: SLC10A2 (solute carrier family 10 member 2; minus strand). Cytogenetic location: 13q33.1.
Variant type: single nucleotide variant.
Coding change: c.123G>A on transcript NM_000452.3 (MANE Select); coding-DNA position 123, G replaced by A.
Protein change: p.Leu41=; no amino-acid change (leucine 41 retained).
Molecular consequence: synonymous variant.
Genome position (GRCh38, 1-based): chr13:103,066,127, C>T on the plus strand (G>A on the coding strand, the complement: SLC10A2 is on the minus strand). VCF-style: chr13-103066127-C-T. GRCh37 (hg19) VCF-style: chr13-103718477-C-T.
Identifiers: ClinVar variation 3029300 (VCV003029300.2), dbSNP rs749205863, ClinGen allele CA7042341.

ClinVar aggregate classification (germline): Likely benign (0 of 4 stars; one submission).

Conditions:
SLC10A2-related disorder. Also called: SLC10A2-related condition.

Allele frequency attached by ClinVar (database versions not stated): gnomAD 0.00003.

Submission:

PreventionGenetics, part of Exact Sciences
Classification: Likely benign for SLC10A2-related condition. Last evaluated: 2023-11-01. Review status: no assertion criteria provided. Collection method: clinical testing. Allele origin: germline.
Comment: This variant is classified as likely benign based on ACMG/AMP sequence variant interpretation guidelines (Richards et al. 2015 PMID: 25741868, with internal and published modifications).